The following is an entry in ClinVar:

ClinVar aggregate classification (germline): Uncertain significance (1 of 4 stars; one submission).

Conditions:
TOPORS-related retinopathy. Identifiers: MedGen CN375908, MONDO:0700233.

gnomAD v4.1: 1 of 1,613,996 alleles (0.000062%); highest among the groups gnomAD compares: Non-Finnish European, 0.000085%; no homozygotes.

Submission:

Dasa
Classification: Uncertain significance for TOPORS-related retinopathy. Last evaluated: 2026-01-06. Review status: criteria provided, single submitter. Criteria: DASA Assertion Criteria. Collection method: clinical testing. Allele origin: germline.
Comment: NM_005802.5(TOPORS):c.1756C>T (p.Pro586Ser) is a missense variant that results in the substitution of proline with serine. This variant is rare in population databases. Computational prediction algorithms are consistent with a benign effect. The currently available literature and clinical evidence are not sufficient to establish a definitive association between this variant and the reported condition. Therefore, this variant is classified as a variant of uncertain significance.

NM_005802.5(TOPORS):c.1756C>T (p.Pro586Ser)

Gene: TOPORS (TOP1 binding arginine/serine rich protein, E3 ubiquitin ligase; minus strand). Cytogenetic location: 9p21.1.
Variant type: single nucleotide variant.
Coding change: c.1756C>T on transcript NM_005802.5 (MANE Select); coding-DNA position 1756, C replaced by T.
Protein change: p.Pro586Ser; replaces proline 586 with serine.
Molecular consequence: missense variant.
Genome position (GRCh38, 1-based): chr9:32,542,769, G>A on the plus strand (C>T on the coding strand, the complement: TOPORS is on the minus strand). VCF-style: chr9-32542769-G-A. GRCh37 (hg19) VCF-style: chr9-32542767-G-A.
Other names: c.1561C>T, p.Pro521Ser (NM_001195622.2); short protein forms P521S, P586S.
Identifiers: ClinVar variation 4881502 (VCV004881502.2).